The following is an entry in ClinVar:

NM_000334.4(SCN4A):c.3685A>G (p.Asn1229Asp)

Genes: GH-LCR (growth hormone locus control region; plus strand), SCN4A (sodium voltage-gated channel alpha subunit 4; minus strand). Cytogenetic location: 17q23.3.
Variant type: single nucleotide variant.
Coding change: c.3685A>G on transcript NM_000334.4 (MANE Select); coding-DNA position 3685, A replaced by G.
Protein change: p.Asn1229Asp; replaces asparagine 1229 with aspartic acid.
Molecular consequence: missense variant.
Genome position (GRCh38, 1-based): chr17:63,945,395, T>C on the plus strand (A>G on the coding strand, the complement: SCN4A is on the minus strand). VCF-style: chr17-63945395-T-C. GRCh37 (hg19) VCF-style: chr17-62022755-T-C.
Other names: short protein forms N1229D.
Identifiers: ClinVar variation 1966406 (VCV001966406.9), dbSNP rs746126027, ClinGen allele CA8709208.

ClinVar aggregate classification (germline): Uncertain significance. Review status: criteria provided, multiple submitters, no conflicts (2 of 4 stars). 3 submissions from 3 submitters: Uncertain significance (3). Last evaluated 2025-11-18.

Conditions:
Hyperkalemic periodic paralysis. Also called: Gamstorp disease; Familial hyperkalemic periodic paralysis. Identifiers: Orphanet 682, MedGen C0238357, MONDO:0008224, OMIM 170500, HP:0007215.

Allele frequency attached by ClinVar (database versions not stated): ExAC 0.00001; gnomAD 0.00001; gnomAD exomes 0.00001; TOPMed 0.00002.
gnomAD v4.1: 24 of 1,612,920 alleles (0.0015%); highest among the groups gnomAD compares: Middle Eastern, 0.033%; no homozygotes.

Submissions (3):

Labcorp Genetics (formerly Invitae), Labcorp
Classification: Uncertain significance for Hyperkalemic periodic paralysis. Last evaluated: 2025-11-18. Review status: criteria provided, single submitter. Criteria: Invitae Variant Classification Sherloc (09022015). Collection method: clinical testing. Allele origin: germline.
Comment: This sequence change replaces asparagine, which is neutral and polar, with aspartic acid, which is acidic and polar, at codon 1229 of the SCN4A protein (p.Asn1229Asp). This variant is present in population databases (rs746126027, gnomAD 0.003%). This variant has not been reported in the literature in individuals affected with SCN4A-related conditions. ClinVar contains an entry for this variant (Variation ID: 1966406). Invitae Evidence Modeling of protein sequence and biophysical properties (such as structural, functional, and spatial information, amino acid conservation, physicochemical variation, residue mobility, and thermodynamic stability) has been performed for this missense variant. However, the output from this modeling did not meet the statistical confidence thresholds required to predict the impact of this variant on SCN4A protein function. In summary, the available evidence is currently insufficient to determine the role of this variant in disease. Therefore, it has been classified as a Variant of Uncertain Significance.

Blueprint Genetics
Classification: Uncertain significance. Last evaluated: 2023-10-18. Review status: criteria provided, single submitter. Criteria: ACMG Guidelines, 2015. Collection method: clinical testing. Allele origin: germline.

Revvity Omics, Revvity
Classification: Uncertain significance. Last evaluated: 2022-06-16. Review status: criteria provided, single submitter. Criteria: ACMG Guidelines, 2015. Collection method: clinical testing. Allele origin: germline.